The following is an entry in ClinVar:

ClinVar aggregate classification (germline): Likely benign. Review status: criteria provided, multiple submitters, no conflicts (2 of 4 stars). 6 submissions from 6 submitters: Likely benign (4). 2 of the submissions do not count toward it. Last evaluated 2026-01-07.

Conditions:
Cardiovascular phenotype. Identifiers: MedGen CN230736.
Fabry disease. Also called: Fabry's disease; Angiokeratoma corporis diffusum; ALPHA-GALACTOSIDASE A DEFICIENCY; ANDERSON-FABRY DISEASE; CERAMIDE TRIHEXOSIDASE DEFICIENCY; GLA DEFICIENCY. Identifiers: Orphanet 324, MedGen C0002986, MONDO:0010526, OMIM 301500, HP:0001071. Disease mechanism: loss of function, Fabry disease is due to inactivating mutations in the X-linked GLA gene resulting in deficiency of the enzyme Alpha Galactosidase-A..

Allele frequency attached by ClinVar (database versions not stated): gnomAD exomes 0.00001.
gnomAD v4.1: 9 of 1,210,945 alleles (0.00074%); highest among the groups gnomAD compares: Non-Finnish European, 0.00089%; no homozygotes.

Submissions (6):

Labcorp Genetics (formerly Invitae), Labcorp
Classification: Likely benign for Fabry disease. Last evaluated: 2026-01-07. Review status: criteria provided, single submitter. Criteria: Invitae Variant Classification Sherloc (09022015). Collection method: clinical testing. Allele origin: germline.

Ambry Genetics
Classification: Likely benign for Cardiovascular phenotype. Last evaluated: 2020-02-11. Review status: criteria provided, single submitter. Criteria: Ambry Variant Classification Scheme 2023. Collection method: clinical testing. Allele origin: germline.

Color Diagnostics, LLC DBA Color Health
Classification: Likely benign for Fabry disease. Last evaluated: 2018-11-25. Review status: criteria provided, single submitter. Criteria: ACMG Guidelines, 2015. Collection method: clinical testing. Allele origin: germline.

GeneDx
Classification: Likely benign. Last evaluated: 2018-03-01. Review status: criteria provided, single submitter. Criteria: GeneDx Variant Classification (06012015). Collection method: clinical testing. Allele origin: germline. Affected: yes.
Comment: This variant is considered likely benign or benign based on one or more of the following criteria: it is a conservative change, it occurs at a poorly conserved position in the protein, it is predicted to be benign by multiple in silico algorithms, and/or has population frequency not consistent with disease.

Diagnostic Laboratory, Department of Genetics, University Medical Center Groningen
Classification: Likely benign. Review status: no assertion criteria provided. Collection method: clinical testing. Allele origin: germline. Affected: yes. Study: VKGL Data-share Consensus. Not counted in ClinVar's aggregate classification.

Joint Genome Diagnostic Labs from Nijmegen and Maastricht, Radboudumc and MUMC+
Classification: Likely benign. Review status: no assertion criteria provided. Collection method: clinical testing. Allele origin: germline. Affected: yes. Study: VKGL Data-share Consensus. Not counted in ClinVar's aggregate classification.

NM_000169.3(GLA):c.1008C>T (p.Asn336=)

Genes: GLA (galactosidase alpha; minus strand), RPL36A-HNRNPH2 (RPL36A-HNRNPH2 readthrough; plus strand). Cytogenetic location: Xq22.1.
Variant type: single nucleotide variant.
Coding change: c.1008C>T on transcript NM_000169.3 (MANE Select); coding-DNA position 1008, C replaced by T.
Protein change: p.Asn336=; no amino-acid change (asparagine 336 retained).
Molecular consequence: synonymous variant. On other transcripts: non-coding transcript variant (3), intron variant (2).
Genome position (GRCh38, 1-based): chrX:101,398,091, G>A on the plus strand (C>T on the coding strand, the complement: GLA is on the minus strand). VCF-style: chrX-101398091-G-A. GRCh37 (hg19) VCF-style: chrX-100653079-G-A.
Other names: c.1131C>T, p.Asn377= (NM_001406747.1); c.300+2634G>A (NM_001199973.2); c.177+6269G>A (NM_001199974.2).
Identifiers: ClinVar variation 516472 (VCV000516472.19), dbSNP rs901454780, ClinGen allele CA333093084.
Genomic context (GRCh38, chrX:101,398,091, plus strand): 5'-CCGGTTTATCATAGCTACAGCCCAGGCTAAGCCTGAGAGAGGTCGTTCCCACACTTCAAA[G>A]TTGTCTCCCTGAAAAACCAAGAAAGTGTGGTTGCTTAGCAACTAGTGATAAGTGGCCCTG-3'
Protein context (NP_000160.1, residues 326-346): KQGYQLRQGD[Asn336=]FEVWERPLSG